The following is an entry in ClinVar:

NM_001042492.3(NF1):c.7789T>C (p.Ser2597Pro)

Gene: NF1 (neurofibromin 1; plus strand). Cytogenetic location: 17q11.2.
Variant type: single nucleotide variant.
Coding change: c.7789T>C on transcript NM_001042492.3 (MANE Select); coding-DNA position 7789, T replaced by C.
Protein change: p.Ser2597Pro; replaces serine 2597 with proline.
Molecular consequence: missense variant.
Genome position (GRCh38, 1-based): chr17:31,357,010, T>C. VCF-style: chr17-31357010-T-C. GRCh37 (hg19) VCF-style: chr17-29684028-T-C.
Other names: c.7726T>C, p.Ser2576Pro (NM_000267.4); short protein forms S2597P, S2576P.
Identifiers: ClinVar variation 220062 (VCV000220062.5), dbSNP rs864622364, ClinGen allele CA348889.

ClinVar aggregate classification (germline): Uncertain significance (1 of 4 stars; one submission).

Conditions:
Neurofibromatosis, type 1 (NF1). Also called: Peripheral type neurofibromatosis; NEUROFIBROMATOSIS, TYPE I, SOMATIC; Neurofibromatosis, type I; VON RECKLINGHAUSEN DISEASE. Identifiers: Orphanet 636, MedGen C0027831, MONDO:0018975, OMIM 162200. Disease mechanism: loss of function.

Submission:

Labcorp Genetics (formerly Invitae), Labcorp
Classification: Uncertain significance for Neurofibromatosis, type 1. Last evaluated: 2017-05-12. Review status: criteria provided, single submitter. Criteria: Invitae Variant Classification Sherloc (09022015). Collection method: clinical testing. Allele origin: germline.
Comment: In summary, this variant is a rare missense change with uncertain impact on protein function. There is no indication that it causes disease, but the available evidence is currently insufficient to prove that conclusively. Therefore, it has been classified as a Variant of Uncertain Significance. Algorithms developed to predict the effect of missense changes on protein structure and function do not agree on the potential impact of this missense change (SIFT: "Deleterious"; PolyPhen-2: "Probably Damaging"; Align-GVGD: "Class C0"). This variant is not present in population databases (ExAC no frequency) and has not been reported in the literature in individuals with a NF1-related disease. ClinVar contains an entry for this variant (Variation ID: 220062). This sequence change replaces serine with proline at codon 2576 of the NF1 protein (p.Ser2576Pro). The serine residue is moderately conserved and there is a moderate physicochemical difference between serine and proline.